The following is an entry in ClinVar:

ClinVar aggregate classification (germline): Likely benign. Review status: criteria provided, multiple submitters, no conflicts (2 of 4 stars). 4 submissions from 4 submitters: Likely benign (3). 1 of the submissions does not count toward it. Last evaluated 2025-10-07.

Conditions:
Cardiovascular phenotype. Identifiers: MedGen CN230736.
APOB-related disorder. Also called: APOB-related condition; APOB-related disorders.
Familial hypobetalipoproteinemia 1. Also called: Hypobetalipoproteinemia, normotriglyceridemic; Acanthocytosis with hypobetalipoproteinemia; APOB-Related Familial Hypobetalipoproteinemia. Identifiers: MedGen C4551990, MONDO:0014252, OMIM 615558.
Hypercholesterolemia, autosomal dominant, type B (FHCL2). Also called: Familial Hypercholesterolemia Type B; APOLIPOPROTEIN B-100, FAMILIAL DEFECTIVE; APOLIPOPROTEIN B-100, FAMILIAL LIGAND-DEFECTIVE; APOB-Related Familial Hypercholesterolemia, Autosomal Dominant; Hyperlipoproteinemia Type IIb; HYPERCHOLESTEROLEMIA, FAMILIAL, DUE TO LIGAND-DEFECTIVE APOLIPOPROTEIN B. Identifiers: MedGen C1704417, MONDO:0007751, OMIM 144010.

Allele frequency attached by ClinVar (database versions not stated): ExAC 0.00002; gnomAD exomes 0.00002 and 0.00004; gnomAD 0.00003 and 0.00005; TOPMed 0.00003; 1000 Genomes Project 30x 0.00031; 1000 Genomes Project 0.00040.
gnomAD v4.1: 40 of 1,614,092 alleles (0.0025%); highest among the groups gnomAD compares: East Asian, 0.011%; no homozygotes.

Submissions (4):

Labcorp Genetics (formerly Invitae), Labcorp
Classification: Likely benign for Familial hypobetalipoproteinemia 1; Hypercholesterolemia, autosomal dominant, type B. Last evaluated: 2025-10-07. Review status: criteria provided, single submitter. Criteria: Invitae Variant Classification Sherloc (09022015). Collection method: clinical testing. Allele origin: germline.

Blueprint Genetics
Classification: Likely benign. Last evaluated: 2024-08-27. Review status: criteria provided, single submitter. Criteria: ACMG Guidelines, 2015. Collection method: clinical testing. Allele origin: germline.

Ambry Genetics
Classification: Likely benign for Cardiovascular phenotype. Last evaluated: 2020-09-29. Review status: criteria provided, single submitter. Criteria: Ambry Variant Classification Scheme 2023. Collection method: clinical testing. Allele origin: germline.

PreventionGenetics, part of Exact Sciences
Classification: Likely benign for APOB-related condition. Last evaluated: 2020-02-26. Review status: no assertion criteria provided. Collection method: clinical testing. Allele origin: germline. Not counted in ClinVar's aggregate classification.
Comment: This variant is classified as likely benign based on ACMG/AMP sequence variant interpretation guidelines (Richards et al. 2015 PMID: 25741868, with internal and published modifications).

NM_000384.3(APOB):c.5028C>T (p.Gly1676=)

Gene: APOB (apolipoprotein B; minus strand). Cytogenetic location: 2p24.1.
Variant type: single nucleotide variant.
Coding change: c.5028C>T on transcript NM_000384.3 (MANE Select); coding-DNA position 5028, C replaced by T.
Protein change: p.Gly1676=; no amino-acid change (glycine 1676 retained).
Molecular consequence: synonymous variant.
Genome position (GRCh38, 1-based): chr2:21,011,840, G>A on the plus strand (C>T on the coding strand, the complement: APOB is on the minus strand). VCF-style: chr2-21011840-G-A. GRCh37 (hg19) VCF-style: chr2-21234712-G-A.
Identifiers: ClinVar variation 630301 (VCV000630301.31), dbSNP rs201446451, ClinGen allele CA061539.